The following is an entry in ClinVar:

ClinVar aggregate classification (germline): Benign. Review status: criteria provided, multiple submitters, no conflicts (2 of 4 stars). 4 submissions from 4 submitters: Benign (4). Last evaluated 2025-07-21.

Conditions:
Hereditary pancreatitis (PCTT). Also called: PRSS1-Related Hereditary Pancreatitis; Hereditary chronic pancreatitis. Identifiers: Orphanet 676, MedGen C0238339, MONDO:0008185, OMIM 167800.

Allele frequency attached by ClinVar (database versions not stated): 1000 Genomes Project 0.00040; ExAC 0.03935; 1000 Genomes Project 30x 0.36368.

Submissions (4):

ARUP Laboratories, Molecular Genetics and Genomics, ARUP Laboratories
Classification: Benign for Hereditary pancreatitis. Last evaluated: 2025-07-21. Review status: criteria provided, single submitter. Criteria: ARUP Molecular Germline Variant Investigation Process 2024. Collection method: clinical testing. Allele origin: germline.

Labcorp Genetics (formerly Invitae), Labcorp
Classification: Benign for Hereditary pancreatitis. Last evaluated: 2025-06-22. Review status: criteria provided, single submitter. Criteria: Invitae Variant Classification Sherloc (09022015). Collection method: clinical testing. Allele origin: germline.

Women's Health and Genetics/Laboratory Corporation of America, LabCorp
Classification: Benign. Last evaluated: 2020-04-07. Review status: criteria provided, single submitter. Criteria: LabCorp Variant Classification Summary - May 2015. Collection method: clinical testing. Allele origin: germline.
Comment: Variant summary: PRSS1 c.72C>T alters a non-conserved nucleotide resulting in a synonymous change. 4/4 computational tools predict no significant impact on normal splicing. However, these predictions have yet to be confirmed by functional studies. The variant allele was found at a frequency of 0.016 in 226462 control chromosomes, predominantly at a frequency of 0.091 within the African or African-American subpopulation in the gnomAD database. The observed variant frequency within African or African-American control individuals in the gnomAD database is approximately 18200 fold of the estimated maximal expected allele frequency for a pathogenic variant in PRSS1 causing Chronic Pancreatitis Risk phenotype (5e-06), strongly suggesting that the variant is a benign polymorphism found primarily in populations of African or African-American origin. To our knowledge, no experimental evidence demonstrating its impact on protein function have been reported. No clinical diagnostic laboratories have submitted clinical-significance assessments for this variant to ClinVar after 2014. Based on the evidence outlined above, the variant was classified as benign.

Ambry Genetics
Classification: Benign for Hereditary pancreatitis. Last evaluated: 2015-08-12. Review status: criteria provided, single submitter. Criteria: Ambry Variant Classification Scheme 2023. Collection method: clinical testing. Allele origin: germline.

NM_002769.5(PRSS1):c.72C>T (p.Ile24=)

Genes: TRB (T cell receptor beta locus; plus strand), PRSS1 (serine protease 1; plus strand). Cytogenetic location: 7q34.
Variant type: single nucleotide variant.
Coding change: c.72C>T on transcript NM_002769.5 (MANE Select); coding-DNA position 72, C replaced by T.
Protein change: p.Ile24=; no amino-acid change (isoleucine 24 retained).
Molecular consequence: synonymous variant.
Genome position (GRCh38, 1-based): chr7:142,750,586, C>T. VCF-style: chr7-142750586-C-T. GRCh37 (hg19) VCF-style: chr7-142458437-C-T.
Identifiers: ClinVar variation 917814 (VCV000917814.14), dbSNP rs372637371, ClinGen allele CA4529666.
Genomic context (GRCh38, chr7:142,750,586, plus strand): 5'-TGCCTTCTCCCTTCCCATCTCCACTCCAGTTGCTGCCCCCTTTGATGATGATGACAAGAT[C>T]GTTGGGGGCTACAACTGTGAGGAGAATTCTGTCCCCTACCAGGTGTCCCTGAATTCTGGC-3'
Protein context (NP_002760.1, residues 14-34): LAAPFDDDDK[Ile24=]VGGYNCEENS